The following is an entry in ClinVar:

ClinVar aggregate classification (germline): Uncertain significance (1 of 4 stars; one submission).

Conditions:
Primary ciliary dyskinesia. Also called: Ciliary dyskinesia. Identifiers: Orphanet 244, MedGen C0008780, MONDO:0016575, HP:0012265.

Allele frequency attached by ClinVar (database versions not stated): gnomAD exomes below 0.00001.
gnomAD v4.1: 1 of 1,578,698 alleles (0.000063%); highest among the groups gnomAD compares: Non-Finnish European, 0.000087%; no homozygotes.

Submission:

Labcorp Genetics (formerly Invitae), Labcorp
Classification: Uncertain significance for Primary ciliary dyskinesia. Last evaluated: 2022-06-13. Review status: criteria provided, single submitter. Criteria: Invitae Variant Classification Sherloc (09022015). Collection method: clinical testing. Allele origin: germline.
Comment: This variant has not been reported in the literature in individuals affected with DNAH8-related conditions. In summary, the available evidence is currently insufficient to determine the role of this variant in disease. Therefore, it has been classified as a Variant of Uncertain Significance. Variants that disrupt the consensus splice site are a relatively common cause of aberrant splicing (PMID: 17576681, 9536098). Algorithms developed to predict the effect of sequence changes on RNA splicing suggest that this variant is not likely to affect RNA splicing. This variant is not present in population databases (gnomAD no frequency). This sequence change falls in intron 30 of the DNAH8 gene. It does not directly change the encoded amino acid sequence of the DNAH8 protein. It affects a nucleotide within the consensus splice site.

Literature cited by the submitters: PubMed 17576681; PubMed 9536098.

NM_001206927.2(DNAH8):c.4189-3T>C

Gene: DNAH8 (dynein axonemal heavy chain 8; plus strand). Cytogenetic location: 6p21.2.
Variant type: single nucleotide variant.
Coding change: c.4189-3T>C on transcript NM_001206927.2 (MANE Select); 3 bases into the intron before coding-DNA position 4189, T replaced by C.
Molecular consequence: intron variant.
Genome position (GRCh38, 1-based): chr6:38,832,319, T>C. VCF-style: chr6-38832319-T-C. GRCh37 (hg19) VCF-style: chr6-38800095-T-C.
Other names: c.3538-3T>C (NM_001371.4).
Identifiers: ClinVar variation 1932350 (VCV001932350.5), dbSNP rs2532715199, ClinGen allele CA2580074467.